The following is an entry in ClinVar:

NM_001365480.1(CCDC88A):c.5218C>T (p.Pro1740Ser)

Gene: CCDC88A (coiled-coil and HOOK domain protein 88A; minus strand). Cytogenetic location: 2p16.1.
Variant type: single nucleotide variant.
Coding change: c.5218C>T on transcript NM_001365480.1 (MANE Select); coding-DNA position 5218, C replaced by T.
Protein change: p.Pro1740Ser; replaces proline 1740 with serine.
Molecular consequence: missense variant. On other transcripts: intron variant (1).
Genome position (GRCh38, 1-based): chr2:55,295,930, G>A on the plus strand (C>T on the coding strand, the complement: CCDC88A is on the minus strand). VCF-style: chr2-55295930-G-A. GRCh37 (hg19) VCF-style: chr2-55523066-G-A.
Other names: c.5215C>T, p.Pro1739Ser (NM_001135597.2); c.5134C>T, p.Pro1712Ser (NM_018084.5); c.5195+20C>T (NM_001254943.2); c.5215C>T (NM_001135597.1); short protein forms P1712S, P1739S, P1740S.
Identifiers: ClinVar variation 1931693 (VCV001931693.6), dbSNP rs1321501269, ClinGen allele CA346911949.

ClinVar aggregate classification (germline): Uncertain significance. Review status: criteria provided, multiple submitters, no conflicts (2 of 4 stars). 2 submissions from 2 submitters: Uncertain significance (2). Last evaluated 2025-08-30.

Allele frequency attached by ClinVar (database versions not stated): TOPMed below 0.00001.
gnomAD v4.1: 1 of 1,614,032 alleles (0.000062%); highest among the groups gnomAD compares: Admixed American, 0.0017%; no homozygotes.

Submissions (2):

Ambry Genetics
Classification: Uncertain significance. Last evaluated: 2025-08-30. Review status: criteria provided, single submitter. Criteria: Ambry Variant Classification Scheme 2023. Collection method: clinical testing. Allele origin: germline.

Labcorp Genetics (formerly Invitae), Labcorp
Classification: Uncertain significance. Last evaluated: 2022-02-08. Review status: criteria provided, single submitter. Criteria: Invitae Variant Classification Sherloc (09022015). Collection method: clinical testing. Allele origin: germline.
Comment: This variant has not been reported in the literature in individuals affected with CCDC88A-related conditions. In summary, the available evidence is currently insufficient to determine the role of this variant in disease. Therefore, it has been classified as a Variant of Uncertain Significance. Algorithms developed to predict the effect of missense changes on protein structure and function (SIFT, PolyPhen-2, Align-GVGD) all suggest that this variant is likely to be tolerated. This variant is present in population databases (no rsID available, gnomAD 0.003%). This sequence change replaces proline, which is neutral and non-polar, with serine, which is neutral and polar, at codon 1739 of the CCDC88A protein (p.Pro1739Ser).